The following is an entry in ClinVar:

NM_006172.4(NPPA):c.59T>C (p.Leu20Pro)

Genes: NPPA (natriuretic peptide A; minus strand), LOC114827827 (VISTA enhancer hs2123; plus strand). Cytogenetic location: 1p36.22.
Variant type: single nucleotide variant.
Coding change: c.59T>C on transcript NM_006172.4 (MANE Select); coding-DNA position 59, T replaced by C.
Protein change: p.Leu20Pro; replaces leucine 20 with proline.
Molecular consequence: missense variant.
Genome position (GRCh38, 1-based): chr1:11,847,626, A>G on the plus strand (T>C on the coding strand, the complement: NPPA is on the minus strand). VCF-style: chr1-11847626-A-G. GRCh37 (hg19) VCF-style: chr1-11907683-A-G.
Other names: short protein forms L20P.
Identifiers: ClinVar variation 1035991 (VCV001035991.8), dbSNP rs1645079089, ClinGen allele CA338451940.

ClinVar aggregate classification (germline): Uncertain significance (1 of 4 stars; one submission).

Conditions:
Atrial fibrillation, familial, 6 (ATFB6). Identifiers: MedGen C2677294, MONDO:0012816, OMIM 612201.

Allele frequency attached by ClinVar (database versions not stated): gnomAD exomes below 0.00001.
gnomAD v4.1: 1 of 1,614,052 alleles (0.000062%); highest among the groups gnomAD compares: Non-Finnish European, 0.000085%; no homozygotes.

Submission:

Labcorp Genetics (formerly Invitae), Labcorp
Classification: Uncertain significance for Atrial fibrillation, familial, 6. Last evaluated: 2020-03-18. Review status: criteria provided, single submitter. Criteria: Invitae Variant Classification Sherloc (09022015). Collection method: clinical testing. Allele origin: germline.
Comment: In summary, the available evidence is currently insufficient to determine the role of this variant in disease. Therefore, it has been classified as a Variant of Uncertain Significance. Algorithms developed to predict the effect of missense changes on protein structure and function output the following: SIFT: "Tolerated"; PolyPhen-2: "Not Available"; Align-GVGD: "Class C0". The proline amino acid residue is found in multiple mammalian species, suggesting that this missense change does not adversely affect protein function. These predictions have not been confirmed by published functional studies and their clinical significance is uncertain. This sequence change replaces leucine with proline at codon 20 of the NPPA protein (p.Leu20Pro). The leucine residue is weakly conserved and there is a moderate physicochemical difference between leucine and proline. This variant has not been reported in the literature in individuals with NPPA-related conditions. This variant is not present in population databases (ExAC no frequency).